The following is an entry in ClinVar:

NM_000059.4(BRCA2):c.2911T>G (p.Leu971Val)

Gene: BRCA2 (BRCA2 DNA repair associated; plus strand). Cytogenetic location: 13q13.1.
Variant type: single nucleotide variant.
Coding change: c.2911T>G on transcript NM_000059.4 (MANE Select); coding-DNA position 2911, T replaced by G.
Protein change: p.Leu971Val; replaces leucine 971 with valine.
Molecular consequence: missense variant. On other transcripts: non-coding transcript variant (1), intron variant (2).
Genome position (GRCh38, 1-based): chr13:32,337,266, T>G. VCF-style: chr13-32337266-T-G. GRCh37 (hg19) VCF-style: chr13-32911403-T-G.
Other names: c.2911T>G, p.Leu971Val (NM_001406719.1, NM_001406720.1); c.1909+3879T>G (NM_001406721.1); c.424+6236T>G (NM_001406722.1); short protein forms L971V.
Identifiers: ClinVar variation 2807130 (VCV002807130.5), dbSNP rs1555282936, ClinGen allele CA387774191.
Genomic context (GRCh38, chr13:32,337,266, plus strand): 5'-CTTGCAGAGGAGAACAAAAATAGTGTAAAGCAGCATATAAAAATGACTCTAGGTCAAGAT[T>G]TAAAATCGGACATCTCCTTGAATATAGATAAAATACCAGAAAAAAATAATGATTACATGA-3'
Protein context (NP_000050.3, residues 961-981): QHIKMTLGQD[Leu971Val]KSDISLNIDK

ClinVar aggregate classification (germline): Conflicting classifications of pathogenicity. Review status: criteria provided, conflicting classifications (1 of 4 stars). 2 submissions from 2 submitters: Uncertain significance (1); Benign (1). Last evaluated 2025-01-07.

Conditions:
Hereditary breast ovarian cancer syndrome. Also called: Hereditary breast and ovarian cancer syndrome; Breast and ovarian cancer; BRCA1- and BRCA2-Associated Hereditary Breast and Ovarian Cancer; Hereditary breast and ovarian cancer syndrome (HBOC); Hereditary breast and/or ovarian cancer syndrome; Hereditary breast and ovarian cancer. Identifiers: Orphanet 145, MedGen C0677776, MeSH D061325, MONDO:0003582. Disease mechanism: loss of function.

Submissions (2):

Women's Health and Genetics/Laboratory Corporation of America, LabCorp
Classification: Uncertain significance. Last evaluated: 2025-01-07. Review status: criteria provided, single submitter. Criteria: LabCorp Variant Classification Summary - May 2015. Collection method: clinical testing. Allele origin: germline.
Comment: Variant summary: BRCA2 c.2911T>G (p.Leu971Val) results in a conservative amino acid change in the encoded protein sequence. Five of five in-silico tools predict a benign effect of the variant on protein function. The variant was absent in 248956 control chromosomes. The available data on variant occurrences in the general population are insufficient to allow any conclusion about variant significance. To our knowledge, no occurrence of c.2911T>G in individuals affected with Hereditary Breast And Ovarian Cancer Syndrome and no experimental evidence demonstrating its impact on protein function have been reported. ClinVar contains an entry for this variant (Variation ID: 2807130). Based on the evidence outlined above, the variant was classified as uncertain significance.

Labcorp Genetics (formerly Invitae), Labcorp
Classification: Benign for Hereditary breast ovarian cancer syndrome. Last evaluated: 2023-08-07. Review status: criteria provided, single submitter. Criteria: Invitae Variant Classification Sherloc (09022015). Collection method: clinical testing. Allele origin: germline.